The following is an entry in ClinVar:

ClinVar aggregate classification (germline): Benign/Likely benign. Review status: criteria provided, multiple submitters, no conflicts (2 of 4 stars). 4 submissions from 4 submitters: Benign (2); Likely benign (1). 1 of the submissions does not count toward it. Last evaluated 2026-02-01.

Conditions:
RIGI-related disorder. Also called: RIGI-related condition.

Allele frequency attached by ClinVar (database versions not stated): gnomAD exomes 0.00866 and 0.01068; ExAC 0.00891; 1000 Genomes Project 0.01138; 1000 Genomes Project 30x 0.01156; gnomAD 0.01225 and 0.01266; TOPMed 0.01322; ESP Exome Variant Server 0.01507.
gnomAD v4.1: 17,398 of 1,609,588 alleles (1.1%); highest among the groups gnomAD compares: African/African-American, 1.9%; 122 homozygotes.

Submissions (16):

Labcorp Genetics (formerly Invitae), Labcorp
Classification: Benign. Last evaluated: 2026-02-01. Review status: criteria provided, single submitter. Criteria: Invitae Variant Classification Sherloc (09022015). Collection method: clinical testing. Allele origin: germline.

Blueprint Genetics
Classification: Likely benign. Last evaluated: 2024-11-27. Review status: criteria provided, single submitter. Criteria: ACMG Guidelines, 2015. Collection method: clinical testing. Allele origin: germline.

Mayo Clinic Laboratories, Mayo Clinic
Classification: Benign. Last evaluated: 2023-08-28. Review status: criteria provided, single submitter. Criteria: ACMG Guidelines, 2015. Collection method: clinical testing. Allele origin: germline. Observed: 13 variant alleles.
Comment: BS1, BS2

PreventionGenetics, part of Exact Sciences
Classification: Benign for RIGI-related condition. Last evaluated: 2019-03-06. Review status: no assertion criteria provided. Collection method: clinical testing. Allele origin: germline. Not counted in ClinVar's aggregate classification.
Comment: This variant is classified as benign based on ACMG/AMP sequence variant interpretation guidelines (Richards et al. 2015 PMID: 25741868, with internal and published modifications).

Dr. Peter K. Rogan Lab, Western University
No classification provided (evidence only). Condition: Clear cell carcinoma of kidney. Review status: no classification provided. Collection method: in vitro. Allele origin: not applicable. Functional consequence: retained intron. Not counted in ClinVar's aggregate classification.

Dr. Peter K. Rogan Lab, Western University
No classification provided (evidence only). Condition: Clear cell carcinoma of kidney. Review status: no classification provided. Collection method: in vitro. Allele origin: not applicable. Functional consequence: retained intron. Not counted in ClinVar's aggregate classification.

Dr. Peter K. Rogan Lab, Western University
No classification provided (evidence only). Condition: Lung cancer. Review status: no classification provided. Collection method: in vitro. Allele origin: not applicable. Functional consequence: skipped exon. Not counted in ClinVar's aggregate classification.

Dr. Peter K. Rogan Lab, Western University
No classification provided (evidence only). Condition: Melanoma. Review status: no classification provided. Collection method: in vitro. Allele origin: not applicable. Functional consequence: retained intron. Not counted in ClinVar's aggregate classification.

Dr. Peter K. Rogan Lab, Western University
No classification provided (evidence only). Condition: Melanoma. Review status: no classification provided. Collection method: in vitro. Allele origin: not applicable. Functional consequence: retained intron. Not counted in ClinVar's aggregate classification.

Dr. Peter K. Rogan Lab, Western University
No classification provided (evidence only). Condition: Thyroid cancer, nonmedullary, 1. Review status: no classification provided. Collection method: in vitro. Allele origin: not applicable. Functional consequence: retained intron. Not counted in ClinVar's aggregate classification.

Dr. Peter K. Rogan Lab, Western University
No classification provided (evidence only). Condition: Thyroid cancer, nonmedullary, 1. Review status: no classification provided. Collection method: in vitro. Allele origin: not applicable. Functional consequence: retained intron. Not counted in ClinVar's aggregate classification.

Dr. Peter K. Rogan Lab, Western University
No classification provided (evidence only). Condition: Cervical cancer. Review status: no classification provided. Collection method: in vitro. Allele origin: not applicable. Functional consequence: retained intron. Not counted in ClinVar's aggregate classification.

Dr. Peter K. Rogan Lab, Western University
No classification provided (evidence only). Condition: Hepatocellular carcinoma. Review status: no classification provided. Collection method: in vitro. Allele origin: not applicable. Functional consequence: retained intron. Not counted in ClinVar's aggregate classification.

Dr. Peter K. Rogan Lab, Western University
No classification provided (evidence only). Condition: Hepatocellular carcinoma. Review status: no classification provided. Collection method: in vitro. Allele origin: not applicable. Functional consequence: retained intron. Not counted in ClinVar's aggregate classification.

Dr. Peter K. Rogan Lab, Western University
No classification provided (evidence only). Condition: Nonpapillary renal cell carcinoma. Review status: no classification provided. Collection method: in vitro. Allele origin: not applicable. Functional consequence: retained intron. Not counted in ClinVar's aggregate classification.

Dr. Peter K. Rogan Lab, Western University
No classification provided (evidence only). Condition: Cholangiocarcinoma. Review status: no classification provided. Collection method: in vitro. Allele origin: not applicable. Functional consequence: retained intron. Not counted in ClinVar's aggregate classification.

NM_014314.4(RIGI):c.1637G>A (p.Arg546Gln)

Gene: RIGI (RNA sensor RIG-I; minus strand). Cytogenetic location: 9p21.1.
Variant type: single nucleotide variant.
Coding change: c.1637G>A on transcript NM_014314.4 (MANE Select); coding-DNA position 1637, G replaced by A.
Protein change: p.Arg546Gln; replaces arginine 546 with glutamine.
Molecular consequence: missense variant.
Genome position (GRCh38, 1-based): chr9:32,481,341, C>T on the plus strand (G>A on the coding strand, the complement: RIGI is on the minus strand). VCF-style: chr9-32481341-C-T. GRCh37 (hg19) VCF-style: chr9-32481339-C-T.
Other names: p.Arg546Gln; short protein forms R546Q.
Identifiers: ClinVar variation 774319 (VCV000774319.16), dbSNP rs61752945, ClinGen allele CA5019743.